The following is an entry in ClinVar:

NM_024675.4(PALB2):c.3114-2A>G

Gene: PALB2 (partner and localizer of BRCA2; minus strand). Cytogenetic location: 16p12.2.
Variant type: single nucleotide variant.
Coding change: c.3114-2A>G on transcript NM_024675.4 (MANE Select); the canonical splice acceptor site of the intron before coding-DNA position 3114, A replaced by G.
Molecular consequence: splice acceptor variant. On other transcripts: intron variant (3).
Genome position (GRCh38, 1-based): chr16:23,614,093, T>C on the plus strand (A>G on the coding strand, the complement: PALB2 is on the minus strand). VCF-style: chr16-23614093-T-C. GRCh37 (hg19) VCF-style: chr16-23625414-T-C.
Other names: c.2228+7269A>G (NM_001407308.1, NM_001407309.1); c.2229-2A>G (NM_001407306.1, NM_001407311.1, NM_001407305.1 and 2 more transcripts); c.648-2A>G (NM_001407314.1); c.1326-2A>G (NM_001407313.1, NM_001407312.1); c.3054-2A>G (NM_001407296.1); c.3042-2A>G (NM_001407297.1); c.2952-2A>G (NM_001407302.1, NM_001407298.1); c.2835-2A>G (NM_001407300.1); and 3 more.
Identifiers: ClinVar variation 2673830 (VCV002673830.4), dbSNP rs2142300348, ClinGen allele CA395141527.

ClinVar aggregate classification (germline): Likely pathogenic. Review status: criteria provided, multiple submitters, no conflicts (2 of 4 stars). 2 submissions from 2 submitters: Likely pathogenic (2). Last evaluated 2023-09-21.

Conditions:
Familial cancer of breast. Also called: Hereditary breast cancer; BREAST CANCER, FAMILIAL; hereditary breast carcinoma. Identifiers: Orphanet 227535, MedGen C0346153, MONDO:0016419, OMIM 114480. Disease mechanism: loss of function.

Submissions (2):

Labcorp Genetics (formerly Invitae), Labcorp
Classification: Likely pathogenic for Familial cancer of breast. Last evaluated: 2023-09-21. Review status: criteria provided, single submitter. Criteria: Invitae Variant Classification Sherloc (09022015). Collection method: clinical testing. Allele origin: germline.
Comment: This sequence change affects an acceptor splice site in intron 10 of the PALB2 gene. It is expected to disrupt RNA splicing. Variants that disrupt the donor or acceptor splice site typically lead to a loss of protein function (PMID: 16199547), and loss-of-function variants in PALB2 are known to be pathogenic (PMID: 17200668, 17200671, 17200672, 24136930, 25099575). This variant is not present in population databases (gnomAD no frequency). This variant has not been reported in the literature in individuals affected with PALB2-related conditions. Algorithms developed to predict the effect of sequence changes on RNA splicing suggest that this variant may disrupt the consensus splice site. In summary, the currently available evidence indicates that the variant is pathogenic, but additional data are needed to prove that conclusively. Therefore, this variant has been classified as Likely Pathogenic.

Myriad Genetics, Inc.
Classification: Likely pathogenic for Familial cancer of breast. Last evaluated: 2023-09-14. Review status: criteria provided, single submitter. Criteria: Myriad Autosomal Dominant, Autosomal Recessive and X-Linked Classification Criteria (2023). Collection method: clinical testing. Allele origin: unknown.
Comment: This variant is considered likely pathogenic. This variant occurs within a consensus splice junction and is predicted to result in abnormal mRNA splicing of either an out-of-frame exon or an in-frame exon necessary for protein stability and/or normal function.

Literature cited by the submitters: PubMed 16199547 (cited by Labcorp Genetics (formerly Invitae), Labcorp); PubMed 17200668 (cited by Labcorp Genetics (formerly Invitae), Labcorp); PubMed 17200671 (cited by Labcorp Genetics (formerly Invitae), Labcorp); PubMed 17200672 (cited by Labcorp Genetics (formerly Invitae), Labcorp); PubMed 24136930 (cited by Labcorp Genetics (formerly Invitae), Labcorp); PubMed 25099575 (cited by Labcorp Genetics (formerly Invitae), Labcorp).